The following is an entry in ClinVar:

ClinVar aggregate classification (germline): Pathogenic. Review status: criteria provided, multiple submitters, no conflicts (2 of 4 stars). 2 submissions from 2 submitters: Pathogenic (2). Last evaluated 2023-05-25.

Conditions:
ATM-related disorder. Also called: ATM-related disorders; ATM-related condition.

Submissions (2):

PreventionGenetics, part of Exact Sciences
Classification: Pathogenic for ATM-related condition. Last evaluated: 2023-05-25. Review status: criteria provided, single submitter. Criteria: ACMG Guidelines, 2015. Collection method: clinical testing. Allele origin: germline.
Comment: The ATM c.6920_6923delTTGC variant is predicted to result in a frameshift and premature protein termination (p.Leu2307Profs*2). To our knowledge, this variant has not been reported in the literature or in a large population database, indicating this variant is rare. Frameshift variants in ATM are expected to be pathogenic. It is interpreted as pathogenic in ClinVar. This variant is interpreted as pathogenic.

GeneDx
Classification: Pathogenic. Last evaluated: 2015-01-02. Review status: criteria provided, single submitter. Criteria: GeneDx Variant Classification (06012015). Collection method: clinical testing. Allele origin: germline. Affected: yes.
Comment: This deletion of four nucleotides in ATM is denoted c.6920_6923delTTGC at the cDNA level or p.Leu2307ProfsX2 (L2307PfxX2) at the protein level. The normal sequence with the bases that are deleted in brackets is AGTC[TTGC]CCTG. The deletion cases a frameshift,which changes a Leucine to a Proline at codon 2307, and introduces a premature stop codon at position 2 of the new reading frame. Although ATM c.6920_6923delTTGC has not to our knowledge been previously reported, it is predicted to cause loss of normal protein function through either protein truncation or nonsense-mediated mRNA decay. we consider this variant to be pathogenic.The presence of

NM_000051.4(ATM):c.6920_6923del (p.Leu2307fs)

Genes: ATM (ATM serine/threonine kinase; plus strand), C11orf65 (chromosome 11 open reading frame 65; minus strand). Cytogenetic location: 11q22.3.
Variant type: Deletion.
Coding change: c.6920_6923del on transcript NM_000051.4 (MANE Select); coding-DNA positions 6920 to 6923, 4 bases deleted (TTGC; older notation c.6920_6923delTTGC).
Protein change: p.Leu2307fs; shifts the reading frame from leucine 2307.
Molecular consequence: frameshift variant. On other transcripts: intron variant (2).
Genome position (GRCh38, 1-based): chr11:108,326,170-108,326,173, TTGC deleted; deleting any 4 consecutive bases within chr11:108,326,169-108,326,173 gives the same sequence; the c. name uses the placement nearest the transcript's 3' end. VCF-style (leftmost placement, unchanged base first): chr11-108326168-TCTTG-T. GRCh37 (hg19) VCF-style: chr11-108196895-TCTTG-T.
Other names: c.6920_6923del, p.Leu2307fs (NM_001351834.2); c.641-17101_641-17098del (NM_001330368.2); c.*38+9048_*38+9051del (NM_001351110.2); short protein forms L2307fs.
Identifiers: ClinVar variation 418041 (VCV000418041.5), dbSNP rs1064793043, ClinGen allele CA16619223.